The following is an entry in ClinVar:

NM_002875.5(RAD51):c.954C>T (p.Pro318=)

Gene: RAD51 (RAD51 recombinase; plus strand). Cytogenetic location: 15q15.1.
Variant type: single nucleotide variant.
Coding change: c.954C>T on transcript NM_002875.5 (MANE Select); coding-DNA position 954, C replaced by T.
Protein change: p.Pro318=; no amino-acid change (proline 318 retained).
Molecular consequence: synonymous variant.
Genome position (GRCh38, 1-based): chr15:40,731,112, C>T. VCF-style: chr15-40731112-C-T. GRCh37 (hg19) VCF-style: chr15-41023310-C-T.
Other names: c.957C>T, p.Pro319= (NM_001164269.2, NM_133487.4); c.832C>T, p.Leu278= (NM_001164270.2).
Identifiers: ClinVar variation 2462640 (VCV002462640.8), dbSNP rs1419508030, ClinGen allele CA489773534.

ClinVar aggregate classification (germline): Likely benign. Review status: criteria provided, multiple submitters, no conflicts (2 of 4 stars). 2 submissions from 2 submitters: Likely benign (2). Last evaluated 2025-11-01.

Conditions:
Inborn genetic diseases. Identifiers: MedGen C0950123, MeSH D030342.

Allele frequency attached by ClinVar (database versions not stated): gnomAD exomes 0.00001.
gnomAD v4.1: 18 of 1,614,098 alleles (0.0011%); highest among the groups gnomAD compares: Admixed American, 0.0017%; no homozygotes.

Submissions (2):

CeGaT Center for Human Genetics Tuebingen
Classification: Likely benign. Last evaluated: 2025-11-01. Review status: criteria provided, single submitter. Criteria: CeGaT Center For Human Genetics Tuebingen Variant Classification Criteria Version 2. Collection method: clinical testing. Allele origin: germline. Affected: yes. Observed: 1 variant allele.
Comment: RAD51: BP4, BP7

Ambry Genetics
Classification: Likely benign for Inborn genetic diseases. Last evaluated: 2023-01-23. Review status: criteria provided, single submitter. Criteria: Ambry Variant Classification Scheme 2023. Collection method: clinical testing. Allele origin: germline.